The following is an entry in ClinVar:

ClinVar aggregate classification (germline): Uncertain significance (1 of 4 stars; one submission).

gnomAD v4.1: 1 of 1,611,360 alleles (0.000062%); no homozygotes.

Submission:

Labcorp Genetics (formerly Invitae), Labcorp
Classification: Uncertain significance. Last evaluated: 2021-08-16. Review status: criteria provided, single submitter. Criteria: Invitae Variant Classification Sherloc (09022015). Collection method: clinical testing. Allele origin: germline.
Comment: This sequence change replaces arginine with proline at codon 2 of the RORB protein (p.Arg2Pro). The arginine residue is weakly conserved and there is a moderate physicochemical difference between arginine and proline. This variant is not present in population databases (ExAC no frequency). This variant has not been reported in the literature in individuals affected with RORB-related conditions. Algorithms developed to predict the effect of missense changes on protein structure and function are either unavailable or do not agree on the potential impact of this missense change (SIFT: "Deleterious"; PolyPhen-2: "Benign"; Align-GVGD: "Class C0"). In summary, the available evidence is currently insufficient to determine the role of this variant in disease. Therefore, it has been classified as a Variant of Uncertain Significance.

NM_006914.4(RORB):c.5G>C (p.Arg2Pro)

Genes: RORB (RAR related orphan receptor B; plus strand), RORB-AS1 (RORB antisense RNA 1; minus strand). Cytogenetic location: 9q21.13.
Variant type: single nucleotide variant.
Coding change: c.5G>C on transcript NM_006914.4 (MANE Select); coding-DNA position 5, G replaced by C.
Protein change: p.Arg2Pro; replaces arginine 2 with proline.
Molecular consequence: missense variant.
Genome position (GRCh38, 1-based): chr9:74,497,981, G>C. VCF-style: chr9-74497981-G-C. GRCh37 (hg19) VCF-style: chr9-77112897-G-C.
Other names: short protein forms R2P.
Identifiers: ClinVar variation 1483936 (VCV001483936.1), dbSNP rs2117998086, ClinGen allele CA373770327.